The following is an entry in ClinVar:

ClinVar aggregate classification (germline): Uncertain significance (1 of 4 stars; one submission).

gnomAD v4.1: 1 of 1,601,278 alleles (0.000062%); highest among the groups gnomAD compares: Non-Finnish European, 0.000085%; no homozygotes.

Submission:

GeneDx
Classification: Uncertain significance. Last evaluated: 2019-06-05. Review status: criteria provided, single submitter. Criteria: GeneDx Variant Classification Process June 2021. Collection method: clinical testing. Allele origin: germline. Affected: yes.
Comment: Has not been previously published as pathogenic or benign to our knowledge; Not observed in large population cohorts (Lek et al., 2016); In silico analysis, which includes splice predictors and evolutionary conservation, supports a deleterious effect; The majority of pathogenic variants in the LAMA4 gene are missense changes (Stenson et al., 2014), indicating haploinsufficiency of LAMA4 may not be sufficient to cause cardiomyopathy; In the absence of RNA/functional studies, the actual effect of this sequence change is unknown

NM_001105206.3(LAMA4):c.3415-3C>A

Gene: LAMA4 (laminin subunit alpha 4; minus strand). Cytogenetic location: 6q21.
Variant type: single nucleotide variant.
Coding change: c.3415-3C>A on transcript NM_001105206.3 (MANE Select); 3 bases into the intron before coding-DNA position 3415, C replaced by A.
Molecular consequence: intron variant.
Genome position (GRCh38, 1-based): chr6:112,134,612, G>T on the plus strand (C>A on the coding strand, the complement: LAMA4 is on the minus strand). VCF-style: chr6-112134612-G-T. GRCh37 (hg19) VCF-style: chr6-112455814-G-T.
Other names: c.3394-3C>A (NM_002290.5, NM_001105207.3).
Identifiers: ClinVar variation 1306283 (VCV001306283.2), dbSNP rs2114666342, ClinGen allele CA2573052564.